The following is an entry in ClinVar:

ClinVar aggregate classification (germline): Pathogenic (1 of 4 stars; one submission).

Conditions:
Neurofibromatosis, type 1 (NF1). Also called: Peripheral type neurofibromatosis; VON RECKLINGHAUSEN DISEASE; NEUROFIBROMATOSIS, TYPE I, SOMATIC; Neurofibromatosis, type I. Identifiers: Orphanet 636, MedGen C0027831, MONDO:0018975, OMIM 162200. Disease mechanism: loss of function.

Submission:

Labcorp Genetics (formerly Invitae), Labcorp
Classification: Pathogenic for Neurofibromatosis, type 1. Last evaluated: 2024-05-12. Review status: criteria provided, single submitter. Criteria: Invitae Variant Classification Sherloc (09022015). Collection method: clinical testing. Allele origin: germline.
Comment: This sequence change creates a premature translational stop signal (p.Glu2123Argfs*6) in the NF1 gene. It is expected to result in an absent or disrupted protein product. Loss-of-function variants in NF1 are known to be pathogenic (PMID: 10712197, 23913538). This variant is not present in population databases (gnomAD no frequency). This variant has not been reported in the literature in individuals affected with NF1-related conditions. For these reasons, this variant has been classified as Pathogenic.

Literature cited by the submitters: PubMed 10712197; PubMed 23913538.

NM_001042492.3(NF1):c.6430del (p.Glu2144fs)

Gene: NF1 (neurofibromin 1; plus strand). Cytogenetic location: 17q11.2.
Variant type: Deletion.
Coding change: c.6430del on transcript NM_001042492.3 (MANE Select); coding-DNA position 6430, one base deleted (G; older notation c.6430delG).
Protein change: p.Glu2144fs; shifts the reading frame from glutamic acid 2144.
Molecular consequence: frameshift variant.
Genome position (GRCh38, 1-based): chr17:31,337,370, G deleted. VCF-style (leftmost placement, unchanged base first): chr17-31337369-AG-A. GRCh37 (hg19) VCF-style: chr17-29664387-AG-A.
Other names: c.6367delG, p.Glu2123Argfs (NM_000267.4); short protein forms E2144fs, E2123fs.
Identifiers: ClinVar variation 3653078 (VCV003653078.2).